The following is an entry in ClinVar:

ClinVar aggregate classification (germline): Likely benign. Review status: criteria provided, single submitter (1 of 4 stars). 2 submissions from 2 submitters: Likely benign (1). 1 of the submissions does not count toward it. Last evaluated 2024-10-24.

Conditions:
KIF1A-related disorder. Also called: KIF1A-related disorders; KIF1A-related condition.

Allele frequency attached by ClinVar (database versions not stated): ExAC 0.00100; gnomAD 0.00263; TOPMed 0.00295; 1000 Genomes Project 0.00359; 1000 Genomes Project 30x 0.00390.
gnomAD v4.1: 780 of 1,598,456 alleles (0.049%); highest among the groups gnomAD compares: African/African-American, 0.91%; 3 homozygotes.

Submissions (2):

Blueprint Genetics
Classification: Likely benign. Last evaluated: 2024-10-24. Review status: criteria provided, single submitter. Criteria: ACMG Guidelines, 2015. Collection method: clinical testing. Allele origin: germline.

PreventionGenetics, part of Exact Sciences
Classification: Benign for KIF1A-related condition. Last evaluated: 2019-05-10. Review status: no assertion criteria provided. Collection method: clinical testing. Allele origin: germline. Not counted in ClinVar's aggregate classification.
Comment: This variant is classified as benign based on ACMG/AMP sequence variant interpretation guidelines (Richards et al. 2015 PMID: 25741868, with internal and published modifications).

NM_001244008.2(KIF1A):c.1208-71G>A

Gene: KIF1A (kinesin family member 1A; minus strand). Cytogenetic location: 2q37.3.
Variant type: single nucleotide variant.
Coding change: c.1208-71G>A on transcript NM_001244008.2 (MANE Select); 71 bases into the intron before coding-DNA position 1208, G replaced by A.
Molecular consequence: intron variant. On other transcripts: synonymous variant (7).
Genome position (GRCh38, 1-based): chr2:240,771,175, C>T on the plus strand (G>A on the coding strand, the complement: KIF1A is on the minus strand). VCF-style: chr2-240771175-C-T. GRCh37 (hg19) VCF-style: chr2-241710592-C-T.
Other names: c.1212G>A, p.Val404= (NM_001330290.2, NM_001379631.1, NM_001379634.1 and 2 more transcripts); c.1185G>A, p.Val395= (NM_001379637.1, NM_001379648.1); c.1181-71G>A (NM_001379653.1, NM_001379650.1, NM_001379645.1 and 10 more transcripts); c.1208-71G>A (NM_001320705.2, NM_001379638.1, NM_001330289.2).
Identifiers: ClinVar variation 3042297 (VCV003042297.3), dbSNP rs143935511, ClinGen allele CA2208494.
Genomic context (GRCh38, chr2:240,771,175, plus strand): 5'-AGGGTCAGGGGCTTCATTCACCGTCCCGCCACGGTTAAGGTTATTGTTCTCAAGGTCGGA[C>T]ACGTCTATGGGGAGGAGGGGTAGGGCGGGCAGACAGACAGAGGGAGGGAGAGAAAAAAGA-3'